The following is an entry in ClinVar:

NM_020351.4(COL8A1):c.1698A>C (p.Gly566=)

Gene: COL8A1 (collagen type VIII alpha 1 chain; plus strand). Cytogenetic location: 3q12.1.
Variant type: single nucleotide variant.
Coding change: c.1698A>C on transcript NM_020351.4 (MANE Select); coding-DNA position 1698, A replaced by C.
Protein change: p.Gly566=; no amino-acid change (glycine 566 retained).
Molecular consequence: synonymous variant.
Genome position (GRCh38, 1-based): chr3:99,795,599, A>C. VCF-style: chr3-99795599-A-C. GRCh37 (hg19) VCF-style: chr3-99514443-A-C.
Other names: c.1698A>C, p.Gly566= (NM_001850.5).
Identifiers: ClinVar variation 4989452 (VCV004989452.1).

ClinVar aggregate classification (germline): Benign (1 of 4 stars; one submission).

Conditions:
COL8A1-related disorder. Also called: COL8A1-related condition.

gnomAD v4.1: 1,456 of 1,611,474 alleles (0.09%); highest among the groups gnomAD compares: African/African-American, 1.7%; 10 homozygotes.

Submission:

PreventionGenetics, part of Exact Sciences
Classification: Benign for COL8A1-related condition. Last evaluated: 2026-07-28. Review status: criteria provided, single submitter. Criteria: ACMG Guidelines, 2015. Collection method: clinical testing. Allele origin: germline.
Comment: This variant is classified as benign based on ACMG/AMP sequence variant interpretation guidelines (Richards et al. 2015 PMID: 25741868, with internal and published modifications).